The following is an entry in ClinVar:

ClinVar aggregate classification (germline): Conflicting classifications of pathogenicity. Review status: criteria provided, conflicting classifications (1 of 4 stars). 4 submissions from 4 submitters: Uncertain significance (1); Benign (1); Likely benign (1). 1 of the submissions does not count toward it. Last evaluated 2025-10-01.

Conditions:
PDE6B-related disorder. Also called: PDE6B-related disorders; PDE6B-related disease; PDE6B-related condition.

Allele frequency attached by ClinVar (database versions not stated): gnomAD exomes 0.00011 and 0.00025; ExAC 0.00026; gnomAD 0.00072 and 0.00078; TOPMed 0.00084; ESP Exome Variant Server 0.00131; 1000 Genomes Project 0.00140; 1000 Genomes Project 30x 0.00156.
gnomAD v4.1: 274 of 1,613,976 alleles (0.017%); highest among the groups gnomAD compares: African/African-American, 0.23%; no homozygotes.

Submissions (4):

Labcorp Genetics (formerly Invitae), Labcorp
Classification: Likely benign. Last evaluated: 2025-10-01. Review status: criteria provided, single submitter. Criteria: Invitae Variant Classification Sherloc (09022015). Collection method: clinical testing. Allele origin: germline.

Blueprint Genetics
Classification: Benign. Last evaluated: 2024-04-15. Review status: criteria provided, single submitter. Criteria: ACMG Guidelines, 2015. Collection method: clinical testing. Allele origin: germline.

ARUP Laboratories, Molecular Genetics and Genomics, ARUP Laboratories
Classification: Uncertain significance. Last evaluated: 2018-12-18. Review status: criteria provided, single submitter. Criteria: ARUP Molecular Germline Variant Investigation Process. Collection method: clinical testing. Allele origin: germline.
Comment: The PDE6B c.1497T>G; p.Phe499Leu variant (rs150000610), to our knowledge, is not reported in the medical literature or gene-specific databases. The variant is found in the general population with an allele frequency of 0.03% (85/281898 alleles) in the Genome Aggregation Database. The amino acid at this position is highly conserved but computational algorithms (PolyPhen-2, SIFT) predict this variant is tolerated. Considering available information, the clinical significance of this variant cannot be determined with certainty.

PreventionGenetics, part of Exact Sciences
Classification: Likely benign for PDE6B-related condition. Last evaluated: 2023-06-21. Review status: no assertion criteria provided. Collection method: clinical testing. Allele origin: germline. Not counted in ClinVar's aggregate classification.
Comment: This variant is classified as likely benign based on ACMG/AMP sequence variant interpretation guidelines (Richards et al. 2015 PMID: 25741868, with internal and published modifications).

NM_000283.4(PDE6B):c.1497T>G (p.Phe499Leu)

Gene: PDE6B (phosphodiesterase 6B; plus strand). Cytogenetic location: 4p16.3.
Variant type: single nucleotide variant.
Coding change: c.1497T>G on transcript NM_000283.4 (MANE Select); coding-DNA position 1497, T replaced by G.
Protein change: p.Phe499Leu; replaces phenylalanine 499 with leucine.
Molecular consequence: missense variant.
Genome position (GRCh38, 1-based): chr4:660,496, T>G. VCF-style: chr4-660496-T-G. GRCh37 (hg19) VCF-style: chr4-654285-T-G.
Other names: c.1497T>G (NM_000283.3); c.1497T>G, p.Phe499Leu (NM_001145291.2); c.660T>G, p.Phe220Leu (NM_001145292.2, NM_001350154.3, NM_001379246.1 and 1 more transcripts); c.342T>G, p.Phe114Leu (NM_001350155.3); short protein forms F114L, F220L, F499L.
Identifiers: ClinVar variation 811833 (VCV000811833.19), dbSNP rs150000610, ClinGen allele CA2794561.
Genomic context (GRCh38, chr4:660,496, plus strand): 5'-AACCTCCCTCAGCCCACAATCCCTCCCACAGAAGGAGGAGCTGCCAGGGCCCACCACATT[T>G]GACATCTACGAATTCCACTTCTCTGACCTGGAGTGCACCGAACTGGACCTGGTCAAATGT-3'
Protein context (NP_000274.3, residues 489-509): LKEELPGPTT[Phe499Leu]DIYEFHFSDL